The following is an entry in ClinVar:

NM_002968.3(SALL1):c.1037C>T (p.Ala346Val)

Gene: SALL1 (spalt like transcription factor 1; minus strand). Cytogenetic location: 16q12.1.
Variant type: single nucleotide variant.
Coding change: c.1037C>T on transcript NM_002968.3 (MANE Select); coding-DNA position 1037, C replaced by T.
Protein change: p.Ala346Val; replaces alanine 346 with valine.
Molecular consequence: missense variant.
Genome position (GRCh38, 1-based): chr16:51,141,185, G>A on the plus strand (C>T on the coding strand, the complement: SALL1 is on the minus strand). VCF-style: chr16-51141185-G-A. GRCh37 (hg19) VCF-style: chr16-51175096-G-A.
Other names: c.746C>T, p.Ala249Val (NM_001127892.2); short protein forms A249V, A346V.
Identifiers: ClinVar variation 1302947 (VCV001302947.4), dbSNP rs779513054, ClinGen allele CA8053352.

ClinVar aggregate classification (germline): Conflicting classifications of pathogenicity. Review status: criteria provided, conflicting classifications (1 of 4 stars). 2 submissions from 2 submitters: Uncertain significance (1); Likely benign (1). Last evaluated 2025-02-14.

Conditions:
Townes syndrome (TBS). Also called: Townes-Brocks syndrome. Identifiers: Orphanet 857, MedGen C0265246, MeSH C536974, MONDO:0007142.

Allele frequency attached by ClinVar (database versions not stated): gnomAD 0.00001; ExAC 0.00002; gnomAD exomes 0.00002 and 0.00001; TOPMed 0.00002.
gnomAD v4.1: 13 of 1,614,130 alleles (0.00081%); highest among the groups gnomAD compares: South Asian, 0.0011%; no homozygotes.

Submissions (2):

Labcorp Genetics (formerly Invitae), Labcorp
Classification: Likely benign for Townes syndrome. Last evaluated: 2025-02-14. Review status: criteria provided, single submitter. Criteria: Invitae Variant Classification Sherloc (09022015). Collection method: clinical testing. Allele origin: germline.

GeneDx
Classification: Uncertain significance. Last evaluated: 2019-11-27. Review status: criteria provided, single submitter. Criteria: GeneDx Variant Classification Process June 2021. Collection method: clinical testing. Allele origin: germline. Affected: yes.
Comment: Not observed at a significant frequency in large population cohorts (Lek et al., 2016); In silico analysis, which includes protein predictors and evolutionary conservation, supports that this variant does not alter protein structure/function; Has not been previously published as pathogenic or benign to our knowledge